The following is an entry in ClinVar:

ClinVar aggregate classification (germline): Uncertain significance. Review status: criteria provided, single submitter (1 of 4 stars). 3 submissions from 3 submitters: Uncertain significance (1). 2 of the submissions do not count toward it. Last evaluated 2017-12-21.

Conditions:
ABCC2-related disorder. Also called: ABCC2-related condition.

Allele frequency attached by ClinVar (database versions not stated): ExAC 0.00006; gnomAD 0.00006 and 0.00008; gnomAD exomes 0.00006 and 0.00008; ESP Exome Variant Server 0.00008; TOPMed 0.00009.
gnomAD v4.1: 138 of 1,614,216 alleles (0.0085%); highest among the groups gnomAD compares: Middle Eastern, 0.15%; no homozygotes.

Submissions (3):

Eurofins Ntd Llc (ga)
Classification: Uncertain significance. Last evaluated: 2017-12-21. Review status: criteria provided, single submitter. Criteria: EGL Classification Definitions 2015. Collection method: clinical testing. Allele origin: germline. Observed: 4 variant alleles, 4 heterozygotes.

PreventionGenetics, part of Exact Sciences
Classification: Uncertain significance for ABCC2-related condition. Last evaluated: 2024-07-02. Review status: no assertion criteria provided. Collection method: clinical testing. Allele origin: germline. Not counted in ClinVar's aggregate classification.
Comment: The ABCC2 c.3547C>A variant is predicted to result in the amino acid substitution p.Leu1183Met. To our knowledge, this variant has not been reported in the literature. This variant is reported in 0.013% of alleles in individuals of European (Non-Finnish) descent in gnomAD. At this time, the clinical significance of this variant is uncertain due to the absence of conclusive functional and genetic evidence.

Department of Pathology and Laboratory Medicine, Sinai Health System
Classification: Uncertain significance. Review status: no assertion criteria provided. Collection method: clinical testing. Allele origin: unknown. Affected: yes. Study: The Canadian Open Genetics Repository (COGR). Not counted in ClinVar's aggregate classification.
Comment: The ABCC2 p.Leu1183Met variant was not identified in the literature nor was it identified in Cosmic. The variant was identified in dbSNP (ID: rs145008610), ClinVar (classified as a VUS by EGL Genetics) and LOVD 3.0. The variant was also identified in control databases in 18 of 282898 chromosomes at a frequency of 0.000064 (Genome Aggregation Database Feb 27, 2017). The variant was observed in the following populations: Other in 1 of 7228 chromosomes (freq: 0.000138) and European (non-Finnish) in 17 of 129194 chromosomes (freq: 0.000132); it was not observed in the African, Latino, Ashkenazi Jewish, East Asian, European (Finnish), and South Asian populations. The p.Leu1183 residue is conserved in mammals and computational analyses (PolyPhen-2, SIFT, AlignGVGD, BLOSUM, MutationTaster) provide inconsistent predictions regarding the impact to the protein; this information is not very predictive of pathogenicity. The variant occurs outside of the splicing consensus sequence and in silico or computational prediction software programs (SpliceSiteFinder, MaxEntScan, NNSPLICE, GeneSplicer) do not predict a difference in splicing. In summary, based on the above information the clinical significance of this variant cannot be determined with certainty at this time. This variant is classified as a variant of uncertain significance.

NM_000392.5(ABCC2):c.3547C>A (p.Leu1183Met)

Gene: ABCC2 (ATP binding cassette subfamily C member 2; plus strand). Cytogenetic location: 10q24.2.
Variant type: single nucleotide variant.
Coding change: c.3547C>A on transcript NM_000392.5 (MANE Select); coding-DNA position 3547, C replaced by A.
Protein change: p.Leu1183Met; replaces leucine 1183 with methionine.
Molecular consequence: missense variant.
Genome position (GRCh38, 1-based): chr10:99,836,223, C>A. VCF-style: chr10-99836223-C-A. GRCh37 (hg19) VCF-style: chr10-101595980-C-A.
Other names: c.3547C>A, p.Leu1183Met (LRG_1208t1); c.3547C>A (NM_000392.4); short protein forms L1183M.
Identifiers: ClinVar variation 288805 (VCV000288805.7), dbSNP rs145008610, ClinGen allele CA5643844.
Genomic context (GRCh38, chr10:99,836,223, plus strand): 5'-TTCAGCGAGACCGTATCAGGTTTGCCAGTTATCCGTGCCTTTGAGCACCAGCAGCGATTT[C>A]TGAAACACAATGAGGTGAGGATTGACACCAACCAGAAATGTGTCTTTTCCTGGATCACCT-3'
Protein context (NP_000383.2, residues 1173-1193): IRAFEHQQRF[Leu1183Met]KHNEVRIDTN